The following is an entry in ClinVar:

NM_022124.6(CDH23):c.5653C>T (p.Arg1885Cys)

Gene: CDH23 (cadherin related 23; plus strand). Cytogenetic location: 10q22.1.
Variant type: single nucleotide variant.
Coding change: c.5653C>T on transcript NM_022124.6 (MANE Select); coding-DNA position 5653, C replaced by T.
Protein change: p.Arg1885Cys; replaces arginine 1885 with cysteine.
Molecular consequence: missense variant.
Genome position (GRCh38, 1-based): chr10:71,785,041, C>T. VCF-style: chr10-71785041-C-T. GRCh37 (hg19) VCF-style: chr10-73544798-C-T.
Other names: short protein forms R1885C.
Identifiers: ClinVar variation 522628 (VCV000522628.30), dbSNP rs368848049, ClinGen allele CA5545826.

ClinVar aggregate classification (germline): Uncertain significance. Review status: criteria provided, multiple submitters, no conflicts (2 of 4 stars). 5 submissions from 5 submitters: Uncertain significance (5). Last evaluated 2024-11-07.

Conditions:
CDH23-related disorder. Also called: CDH23-related condition; CDH23-related disorders.
Usher syndrome type 1D (USH1D). Also called: USHER SYNDROME, TYPE ID. Identifiers: Orphanet 231169, Orphanet 886, MedGen C1832845, MONDO:0010984, OMIM 601067.
Autosomal recessive nonsyndromic hearing loss 12. Also called: DEAFNESS, AUTOSOMAL RECESSIVE 12. Identifiers: Orphanet 90636, MedGen C1832394, MONDO:0011067, OMIM 601386.
Pituitary adenoma 5, multiple types. Identifiers: MedGen C4539685, MONDO:0054601, OMIM 617540.

Allele frequency attached by ClinVar (database versions not stated): gnomAD 0.00005 and 0.00007; ExAC 0.00007; TOPMed 0.00009; gnomAD exomes 0.00002 and 0.00004.
gnomAD v4.1: 40 of 1,613,980 alleles (0.0025%); highest among the groups gnomAD compares: Middle Eastern, 0.016%; no homozygotes.

Submissions (5):

PreventionGenetics, part of Exact Sciences
Classification: Uncertain significance for CDH23-related condition. Last evaluated: 2024-11-07. Review status: criteria provided, single submitter. Criteria: ACMG Guidelines, 2015. Collection method: clinical testing. Allele origin: germline.
Comment: The CDH23 c.5653C>T variant is predicted to result in the amino acid substitution p.Arg1885Cys. This variant was previously reported in the heterozygous state in an individual with combined retinal dystrophy and hearing impairment, but no second potentially causative variant was identified (Bahena et al. 2022. PubMed ID: 34148116). This variant is reported in 0.017% of alleles in individuals of African descent in gnomAD. At this time, the clinical significance of this variant is uncertain due to the absence of conclusive functional and genetic evidence.

CeGaT Center for Human Genetics Tuebingen
Classification: Uncertain significance. Last evaluated: 2024-02-01. Review status: criteria provided, single submitter. Criteria: CeGaT Center For Human Genetics Tuebingen Variant Classification Criteria Version 2. Collection method: clinical testing. Allele origin: germline. Affected: yes. Observed: 2 variant alleles.
Comment: CDH23: PM2, BP4

Labcorp Genetics (formerly Invitae), Labcorp
Classification: Uncertain significance. Last evaluated: 2022-10-24. Review status: criteria provided, single submitter. Criteria: Invitae Variant Classification Sherloc (09022015). Collection method: clinical testing. Allele origin: germline.
Comment: This sequence change replaces arginine, which is basic and polar, with cysteine, which is neutral and slightly polar, at codon 1885 of the CDH23 protein (p.Arg1885Cys). This variant is present in population databases (rs368848049, gnomAD 0.02%). This variant has not been reported in the literature in individuals affected with CDH23-related conditions. ClinVar contains an entry for this variant (Variation ID: 522628). Advanced modeling of protein sequence and biophysical properties (such as structural, functional, and spatial information, amino acid conservation, physicochemical variation, residue mobility, and thermodynamic stability) performed at Invitae indicates that this missense variant is not expected to disrupt CDH23 protein function. In summary, the available evidence is currently insufficient to determine the role of this variant in disease. Therefore, it has been classified as a Variant of Uncertain Significance.

Fulgent Genetics
Classification: Uncertain significance for Usher syndrome type 1D; Autosomal recessive nonsyndromic hearing loss 12; Pituitary adenoma 5, multiple types. Last evaluated: 2022-03-22. Review status: criteria provided, single submitter. Criteria: ACMG Guidelines, 2015. Collection method: clinical testing. Allele origin: unknown.

Genomic Research Center, Shahid Beheshti University of Medical Sciences
Classification: Uncertain significance for Usher syndrome type 1D. Last evaluated: 2020-05-03. Review status: criteria provided, single submitter. Criteria: ACMG Guidelines, 2015. Collection method: clinical testing. Allele origin: unknown.